The following is an entry in ClinVar:

ClinVar aggregate classification (germline): Pathogenic. Review status: criteria provided, multiple submitters, no conflicts (2 of 4 stars). 2 submissions from 2 submitters: Pathogenic (2). Last evaluated 2023-06-29.

Conditions:
Hereditary cancer-predisposing syndrome. Also called: Neoplastic Syndromes, Hereditary; Tumor predisposition; Hereditary Cancer Syndrome; Hereditary neoplastic syndrome. Identifiers: Orphanet 140162, MedGen C0027672, MeSH D009386, MONDO:0015356.

Submissions (2):

Labcorp Genetics (formerly Invitae), Labcorp
Classification: Pathogenic for Hereditary cancer-predisposing syndrome. Last evaluated: 2023-06-29. Review status: criteria provided, single submitter. Criteria: Invitae Variant Classification Sherloc (09022015). Collection method: clinical testing. Allele origin: germline.
Comment: This sequence change creates a premature translational stop signal (p.Asp515Glyfs*13) in the RAD50 gene. It is expected to result in an absent or disrupted protein product. Loss-of-function variants in RAD50 are known to be pathogenic (PMID: 19409520). For these reasons, this variant has been classified as Pathogenic. ClinVar contains an entry for this variant (Variation ID: 186695). This variant has not been reported in the literature in individuals affected with RAD50-related conditions. This variant is not present in population databases (gnomAD no frequency).

Ambry Genetics
Classification: Pathogenic for Hereditary cancer-predisposing syndrome. Last evaluated: 2023-04-28. Review status: criteria provided, single submitter. Criteria: Ambry Variant Classification Scheme 2023. Collection method: clinical testing. Allele origin: germline.
Comment: The c.1544_1547delACAG pathogenic mutation, located in coding exon 10 of the RAD50 gene, results from a deletion of 4 nucleotides at nucleotide positions 1544 to 1547, causing a translational frameshift with a predicted alternate stop codon (p.D515Gfs*13). This alteration is expected to result in loss of function by premature protein truncation or nonsense-mediated mRNA decay. As such, this alteration is interpreted as a disease-causing mutation.

Literature cited by the submitters: PubMed 19409520 (cited by Labcorp Genetics (formerly Invitae), Labcorp).

NM_005732.4(RAD50):c.1544_1547del (p.Asp515fs)

Gene: RAD50 (RAD50 double strand break repair protein; plus strand). Cytogenetic location: 5q31.1.
Variant type: Deletion.
Coding change: c.1544_1547del on transcript NM_005732.4 (MANE Select); coding-DNA positions 1544 to 1547, 4 bases deleted (ACAG; older notation c.1544_1547delACAG).
Protein change: p.Asp515fs; shifts the reading frame from aspartic acid 515.
Molecular consequence: frameshift variant.
Genome position (GRCh38, 1-based): chr5:132,591,315-132,591,318, ACAG deleted; deleting any 4 consecutive bases within chr5:132,591,313-132,591,318 gives the same sequence; the c. name uses the placement nearest the transcript's 3' end. VCF-style (leftmost placement, unchanged base first): chr5-132591312-TAGAC-T. GRCh37 (hg19) VCF-style: chr5-131927004-TAGAC-T.
Other names: short protein forms D515fs.
Identifiers: ClinVar variation 186695 (VCV000186695.12), dbSNP rs786203151, ClinGen allele CA195583.